The following is an entry in ClinVar:

ClinVar aggregate classification (germline): Uncertain significance (1 of 4 stars; one submission).

Submission:

Labcorp Genetics (formerly Invitae), Labcorp
Classification: Uncertain significance. Last evaluated: 2025-11-23. Review status: criteria provided, single submitter. Criteria: Invitae Variant Classification Sherloc (09022015). Collection method: clinical testing. Allele origin: germline.
Comment: This sequence change replaces proline, which is neutral and non-polar, with serine, which is neutral and polar, at codon 107 of the ACE protein (p.Pro107Ser). This variant is not present in population databases (gnomAD no frequency). This variant has not been reported in the literature in individuals affected with ACE-related conditions. Invitae Evidence Modeling of protein sequence and biophysical properties (such as structural, functional, and spatial information, amino acid conservation, physicochemical variation, residue mobility, and thermodynamic stability) indicates that this missense variant is not expected to disrupt ACE protein function with a negative predictive value of 80%. In summary, the available evidence is currently insufficient to determine the role of this variant in disease. Therefore, it has been classified as a Variant of Uncertain Significance.

NM_000789.4(ACE):c.319C>T (p.Pro107Ser)

Gene: ACE (angiotensin I converting enzyme; plus strand). Cytogenetic location: 17q23.3.
Variant type: single nucleotide variant.
Coding change: c.319C>T on transcript NM_000789.4 (MANE Select); coding-DNA position 319, C replaced by T.
Protein change: p.Pro107Ser; replaces proline 107 with serine.
Molecular consequence: missense variant. On other transcripts: synonymous variant (1), 5 prime UTR variant (1).
Genome position (GRCh38, 1-based): chr17:63,478,000, C>T. VCF-style: chr17-63478000-C-T. GRCh37 (hg19) VCF-style: chr17-61555361-C-T.
Other names: c.84C>T, p.Asn28= (NM_001382700.1); c.-296C>T (NM_001382701.1); short protein forms P107S.
Identifiers: ClinVar variation 4740358 (VCV004740358.1).